The following is an entry in ClinVar:

NM_001330677.2(TBX15):c.1351C>A (p.Pro451Thr)

Gene: TBX15 (T-box transcription factor 15; minus strand). Cytogenetic location: 1p12.
Variant type: single nucleotide variant.
Coding change: c.1351C>A on transcript NM_001330677.2 (MANE Select); coding-DNA position 1351, C replaced by A.
Protein change: p.Pro451Thr; replaces proline 451 with threonine.
Molecular consequence: missense variant.
Genome position (GRCh38, 1-based): chr1:118,885,190, G>T on the plus strand (C>A on the coding strand, the complement: TBX15 is on the minus strand). VCF-style: chr1-118885190-G-T. GRCh37 (hg19) VCF-style: chr1-119427813-G-T.
Other names: c.1033C>A, p.Pro345Thr (NM_152380.3); short protein forms P345T, P451T.
Identifiers: ClinVar variation 1964198 (VCV001964198.5), dbSNP rs1434425472, ClinGen allele CA341432701.

ClinVar aggregate classification (germline): Uncertain significance (1 of 4 stars; one submission).

Allele frequency attached by ClinVar (database versions not stated): TOPMed below 0.00001; gnomAD 0.00001.
gnomAD v4.1: 1 of 1,614,090 alleles (0.000062%); highest among the groups gnomAD compares: East Asian, 0.0022%; no homozygotes.

Submission:

Labcorp Genetics (formerly Invitae), Labcorp
Classification: Uncertain significance. Last evaluated: 2022-04-19. Review status: criteria provided, single submitter. Criteria: Invitae Variant Classification Sherloc (09022015). Collection method: clinical testing. Allele origin: germline.
Comment: This variant is present in population databases (no rsID available, gnomAD 0.01%). In summary, the available evidence is currently insufficient to determine the role of this variant in disease. Therefore, it has been classified as a Variant of Uncertain Significance. Algorithms developed to predict the effect of missense changes on protein structure and function are either unavailable or do not agree on the potential impact of this missense change (SIFT: "Deleterious"; PolyPhen-2: "Benign"; Align-GVGD: "Class C0"). This variant has not been reported in the literature in individuals affected with TBX15-related conditions. This sequence change replaces proline, which is neutral and non-polar, with threonine, which is neutral and polar, at codon 345 of the TBX15 protein (p.Pro345Thr).